The following is an entry in ClinVar:

ClinVar aggregate classification (germline): Uncertain significance (1 of 4 stars; one submission).

Submission:

GeneDx
Classification: Uncertain significance. Last evaluated: 2024-12-13. Review status: criteria provided, single submitter. Criteria: GeneDx Variant Classification Process June 2021. Collection method: clinical testing. Allele origin: germline. Affected: yes.
Comment: Not observed at significant frequency in large population cohorts (gnomAD); In silico analysis supports that this missense variant has a deleterious effect on protein structure/function; Has not been previously published as pathogenic or benign to our knowledge

NM_016562.4(TLR7):c.92C>T (p.Pro31Leu)

Gene: TLR7 (toll like receptor 7; plus strand). Cytogenetic location: Xp22.2.
Variant type: single nucleotide variant.
Coding change: c.92C>T on transcript NM_016562.4 (MANE Select); coding-DNA position 92, C replaced by T.
Protein change: p.Pro31Leu; replaces proline 31 with leucine.
Molecular consequence: missense variant.
Genome position (GRCh38, 1-based): chrX:12,885,600, C>T. VCF-style: chrX-12885600-C-T. GRCh37 (hg19) VCF-style: chrX-12903719-C-T.
Other names: short protein forms P31L.
Identifiers: ClinVar variation 3906656 (VCV003906656.1).